The following is an entry in ClinVar:

NM_001379291.1(BRD4):c.1733GCA[1] (p.Ser579del)

Gene: BRD4 (bromodomain containing 4; minus strand). Cytogenetic location: 19p13.12.
Variant type: Microsatellite.
Coding change: c.1733GCA[1] on transcript NM_001379291.1 (MANE Select); one copy of the 3-base unit GCA starting at c.1733; the reference has two copies in a row; one copy, 3 bases deleted.
Protein change: p.Ser579del; deletes serine 579.
Molecular consequence: inframe deletion.
Genome position (GRCh38, 1-based): chr19:15,256,077-15,256,079, TGC deleted on the plus strand (GCA on the coding strand, the reverse complement: BRD4 is on the minus strand); deleting any 3 consecutive bases within chr19:15,256,077-15,256,083 gives the same sequence; the position shown is the placement nearest the transcript's 3' end. VCF-style (leftmost placement, unchanged base first): chr19-15256076-TTGC-T. GRCh37 (hg19) VCF-style: chr19-15366887-TTGC-T.
Other names: c.1733GCA[1], p.Ser579del (NM_001330384.2, NM_001379292.1, NM_014299.3 and 1 more transcripts); short protein forms S579del.
Identifiers: ClinVar variation 2046544 (VCV002046544.4), dbSNP rs766142522, ClinGen allele CA9265301.

ClinVar aggregate classification (germline): Uncertain significance (1 of 4 stars; one submission).

Submission:

Labcorp Genetics (formerly Invitae), Labcorp
Classification: Uncertain significance. Last evaluated: 2026-02-01. Review status: criteria provided, single submitter. Criteria: Invitae Variant Classification Sherloc (09022015). Collection method: clinical testing. Allele origin: germline.
Comment: This variant, c.1736_1738del, results in the deletion of 1 amino acid(s) of the BRD4 protein (p.Ser579del), but otherwise preserves the integrity of the reading frame. This variant is present in population databases (rs766142522, gnomAD 0.01%). This variant has not been reported in the literature in individuals affected with BRD4-related conditions. Experimental studies and prediction algorithms are not available or were not evaluated, and the functional significance of this variant is currently unknown. In summary, the available evidence is currently insufficient to determine the role of this variant in disease. Therefore, it has been classified as a Variant of Uncertain Significance.